The following is an entry in ClinVar:

NM_003151.4(STAT4):c.578A>T (p.Gln193Leu)

Gene: STAT4 (signal transducer and activator of transcription 4; minus strand). Cytogenetic location: 2q32.2.
Variant type: single nucleotide variant.
Coding change: c.578A>T on transcript NM_003151.4 (MANE Select); coding-DNA position 578, A replaced by T.
Protein change: p.Gln193Leu; replaces glutamine 193 with leucine.
Molecular consequence: missense variant.
Genome position (GRCh38, 1-based): chr2:191,066,482, T>A on the plus strand (A>T on the coding strand, the complement: STAT4 is on the minus strand). VCF-style: chr2-191066482-T-A. GRCh37 (hg19) VCF-style: chr2-191931208-T-A.
Other names: c.578A>T, p.Gln193Leu (NM_001243835.2); short protein forms Q193L.
Identifiers: ClinVar variation 3693525 (VCV003693525.2).

ClinVar aggregate classification (germline): Uncertain significance (1 of 4 stars; one submission).

Submission:

Labcorp Genetics (formerly Invitae), Labcorp
Classification: Uncertain significance. Last evaluated: 2024-02-26. Review status: criteria provided, single submitter. Criteria: Invitae Variant Classification Sherloc (09022015). Collection method: clinical testing. Allele origin: germline.
Comment: This sequence change replaces glutamine, which is neutral and polar, with leucine, which is neutral and non-polar, at codon 193 of the STAT4 protein (p.Gln193Leu). This variant is not present in population databases (gnomAD no frequency). This variant has not been reported in the literature in individuals affected with STAT4-related conditions. Advanced modeling of protein sequence and biophysical properties (such as structural, functional, and spatial information, amino acid conservation, physicochemical variation, residue mobility, and thermodynamic stability) performed at Invitae indicates that this missense variant is not expected to disrupt STAT4 protein function with a negative predictive value of 80%. In summary, the available evidence is currently insufficient to determine the role of this variant in disease. Therefore, it has been classified as a Variant of Uncertain Significance.